The following is an entry in ClinVar:

ClinVar aggregate classification (germline): Uncertain significance (1 of 4 stars; one submission).

Conditions:
Noonan syndrome (NS). Also called: Noonan's syndrome. Identifiers: Orphanet 648, MedGen C0028326, MeSH D009634, MONDO:0018997. Disease mechanism: gain of function.

Submission:

Labcorp Genetics (formerly Invitae), Labcorp
Classification: Uncertain significance for Noonan syndrome. Last evaluated: 2025-08-08. Review status: criteria provided, single submitter. Criteria: Invitae Variant Classification Sherloc (09022015). Collection method: clinical testing. Allele origin: germline.
Comment: This sequence change replaces lysine, which is basic and polar, with arginine, which is basic and polar, at codon 31 of the RRAS protein (p.Lys31Arg). This variant is not present in population databases (gnomAD no frequency). This variant has not been reported in the literature in individuals affected with RRAS-related conditions. ClinVar contains an entry for this variant (Variation ID: 3632018). An algorithm developed to predict the effect of missense changes on protein structure and function (PolyPhen-2) suggests that this variant is likely to be disruptive. In summary, the available evidence is currently insufficient to determine the role of this variant in disease. Therefore, it has been classified as a Variant of Uncertain Significance.

NM_006270.5(RRAS):c.92A>G (p.Lys31Arg)

Gene: RRAS (RAS related; minus strand). Cytogenetic location: 19q13.33.
Variant type: single nucleotide variant.
Coding change: c.92A>G on transcript NM_006270.5 (MANE Select); coding-DNA position 92, A replaced by G.
Protein change: p.Lys31Arg; replaces lysine 31 with arginine.
Molecular consequence: missense variant.
Genome position (GRCh38, 1-based): chr19:49,640,007, T>C on the plus strand (A>G on the coding strand, the complement: RRAS is on the minus strand). VCF-style: chr19-49640007-T-C. GRCh37 (hg19) VCF-style: chr19-50143264-T-C.
Other names: short protein forms K31R.
Identifiers: ClinVar variation 3632018 (VCV003632018.2).